The following is an entry in ClinVar:

ClinVar aggregate classification (germline): Uncertain significance (1 of 4 stars; one submission).

Submission:

GeneDx
Classification: Uncertain significance. Last evaluated: 2026-04-15. Review status: criteria provided, single submitter. Criteria: GeneDx Variant Classification Process June 2021. Collection method: clinical testing. Allele origin: germline.
Comment: Not observed at significant frequency in large population cohorts (gnomAD); In silico analysis supports that this missense variant has a deleterious effect on protein structure/function; Has not been previously published as pathogenic or benign to our knowledge

NM_080632.3(UPF3B):c.346G>A (p.Gly116Ser)

Gene: UPF3B (UPF3B regulator of nonsense mediated mRNA decay; minus strand). Cytogenetic location: Xq24.
Variant type: single nucleotide variant.
Coding change: c.346G>A on transcript NM_080632.3 (MANE Select); coding-DNA position 346, G replaced by A.
Protein change: p.Gly116Ser; replaces glycine 116 with serine.
Molecular consequence: missense variant.
Genome position (GRCh38, 1-based): chrX:119,851,519, C>T on the plus strand (G>A on the coding strand, the complement: UPF3B is on the minus strand). VCF-style: chrX-119851519-C-T. GRCh37 (hg19) VCF-style: chrX-118985482-C-T.
Other names: c.346G>A, p.Gly116Ser (NM_023010.4); short protein forms G116S.
Identifiers: ClinVar variation 5037247 (VCV005037247.1).
Genomic context (GRCh38, chrX:119,851,519, plus strand): 5'-AGAAATTCCCTTTTTACTTCAGTTACCAGGACTCACCTTTATTGTCAAGGAATACATAAC[C>T]ATCAAAGCGATCCCTGAACAAAATAATGTCCTCTTGGTTTTTAAAGTTGATGTATGCTCT-3'
Protein context (NP_542199.1, residues 106-126): DIILFRDRFD[Gly116Ser]YVFLDNKGQE